The following is an entry in ClinVar:

NM_016507.4(CDK12):c.1958C>G (p.Pro653Arg)

Gene: CDK12 (cyclin dependent kinase 12; plus strand). Cytogenetic location: 17q12.
Variant type: single nucleotide variant.
Coding change: c.1958C>G on transcript NM_016507.4 (MANE Select); coding-DNA position 1958, C replaced by G.
Protein change: p.Pro653Arg; replaces proline 653 with arginine.
Molecular consequence: missense variant.
Genome position (GRCh38, 1-based): chr17:39,490,583, C>G. VCF-style: chr17-39490583-C-G. GRCh37 (hg19) VCF-style: chr17-37646836-C-G.
Other names: c.1958C>G, p.Pro653Arg (NM_015083.4); short protein forms P653R.
Identifiers: ClinVar variation 5034121 (VCV005034121.1).

ClinVar aggregate classification (germline): Uncertain significance (1 of 4 stars; one submission).

gnomAD v4.1: 3 of 1,612,216 alleles (0.00019%); highest among the groups gnomAD compares: Non-Finnish European, 0.00025%; no homozygotes.

Submission:

Ambry Genetics
Classification: Uncertain significance. Last evaluated: 2026-07-28. Review status: criteria provided, single submitter. Criteria: Ambry Variant Classification Scheme 2023. Collection method: clinical testing. Allele origin: germline.
Comment: The p.P653R variant (also known as c.1958C>G), located in coding exon 3 of the CDK12 gene, results from a C to G substitution at nucleotide position 1958. The proline at codon 653 is replaced by arginine, an amino acid with dissimilar properties. This amino acid position is conserved. In addition, this alteration is predicted to be tolerated by in silico analysis. Based on the available evidence, the clinical significance of this variant remains unclear.